The following is an entry in ClinVar:

NM_001199138.2(NLRC4):c.627G>C (p.Gln209His)

Gene: NLRC4 (NLR family CARD domain containing 4; minus strand). Cytogenetic location: 2p22.3.
Variant type: single nucleotide variant.
Coding change: c.627G>C on transcript NM_001199138.2 (MANE Select); coding-DNA position 627, G replaced by C.
Protein change: p.Gln209His; replaces glutamine 209 with histidine.
Molecular consequence: missense variant. On other transcripts: intron variant (1).
Genome position (GRCh38, 1-based): chr2:32,251,237, C>G on the plus strand (G>C on the coding strand, the complement: NLRC4 is on the minus strand). VCF-style: chr2-32251237-C-G. GRCh37 (hg19) VCF-style: chr2-32476306-C-G.
Other names: c.627G>C, p.Gln209His (NM_001199139.2, NM_021209.5); c.262+1182G>C (NM_001302504.1); short protein forms Q209H.
Identifiers: ClinVar variation 1025101 (VCV001025101.8), dbSNP rs1473947585, ClinGen allele CA346514747.

ClinVar aggregate classification (germline): Uncertain significance (1 of 4 stars; one submission).

Conditions:
Familial cold autoinflammatory syndrome 4 (FCAS4). Identifiers: Orphanet 47045, Orphanet 576349, MedGen C4015276, MONDO:0014498, OMIM 616115.
Periodic fever-infantile enterocolitis-autoinflammatory syndrome. Also called: Autoinflammation with infantile enterocolitis. Identifiers: Orphanet 436166, MedGen C4015067, MONDO:0014472, OMIM 616050.

Submission:

Labcorp Genetics (formerly Invitae), Labcorp
Classification: Uncertain significance for Periodic fever-infantile enterocolitis-autoinflammatory syndrome; Familial cold autoinflammatory syndrome 4. Last evaluated: 2020-03-26. Review status: criteria provided, single submitter. Criteria: Invitae Variant Classification Sherloc (09022015). Collection method: clinical testing. Allele origin: germline.
Comment: Algorithms developed to predict the effect of missense changes on protein structure and function (SIFT, PolyPhen-2, Align-GVGD) all suggest that this variant is likely to be tolerated, but these predictions have not been confirmed by published functional studies and their clinical significance is uncertain. In summary, the available evidence is currently insufficient to determine the role of this variant in disease. Therefore, it has been classified as a Variant of Uncertain Significance. This variant has not been reported in the literature in individuals with NLRC4-related conditions. This variant is not present in population databases (ExAC no frequency). This sequence change replaces glutamine with histidine at codon 209 of the NLRC4 protein (p.Gln209His). The glutamine residue is moderately conserved and there is a small physicochemical difference between glutamine and histidine.